The following is an entry in ClinVar:

NM_000322.5(PRPH2):c.1001C>T (p.Ala334Val)

Gene: PRPH2 (peripherin 2; minus strand). Cytogenetic location: 6p21.1.
Variant type: single nucleotide variant.
Coding change: c.1001C>T on transcript NM_000322.5 (MANE Select); coding-DNA position 1001, C replaced by T.
Protein change: p.Ala334Val; replaces alanine 334 with valine.
Molecular consequence: missense variant.
Genome position (GRCh38, 1-based): chr6:42,698,335, G>A on the plus strand (C>T on the coding strand, the complement: PRPH2 is on the minus strand). VCF-style: chr6-42698335-G-A. GRCh37 (hg19) VCF-style: chr6-42666073-G-A.
Other names: short protein forms A334V.
Identifiers: ClinVar variation 963799 (VCV000963799.8), dbSNP rs903826110, ClinGen allele CA138166643.
Genomic context (GRCh38, chr6:42,698,335, plus strand): 5'-GGGGAGGGGCCCCAGGGCCCTCAGCCAGCCTCTGGGGCCTGGCCTGCGTCTGCGCCCTCG[G>A]CTTCCACCTGGTTGCCCTTGCCCAGCTTCTTCACACTCTCCAGAAAGGCCTTCCAGGTCT-3'
Protein context (NP_000313.2, residues 324-344): KKLGKGNQVE[Ala334Val]EGADAGQAPE

ClinVar aggregate classification (germline): Uncertain significance. Review status: criteria provided, multiple submitters, no conflicts (2 of 4 stars). 2 submissions from 2 submitters: Uncertain significance (2). Last evaluated 2026-09-03.

Conditions:
PRPH2-related disorder. Also called: PRPH2-related disorders; PRPH2-related condition. Identifiers: MedGen CN239395.

Allele frequency attached by ClinVar (database versions not stated): gnomAD 0.00002; TOPMed 0.00003.
gnomAD v4.1: 3 of 1,613,784 alleles (0.00019%); highest among the groups gnomAD compares: African/African-American, 0.004%; no homozygotes.

Submissions (2):

PreventionGenetics, part of Exact Sciences
Classification: Uncertain significance for PRPH2-related condition. Last evaluated: 2026-09-03. Review status: criteria provided, single submitter. Criteria: ACMG Guidelines, 2015. Collection method: clinical testing. Allele origin: germline.
Comment: The PRPH2 c.1001C>T variant is predicted to result in the amino acid substitution p.Ala334Val. To our knowledge, this variant has not been reported in the literature. This variant is present in 0.011% of alleles in individuals of African descent in gnomAD. At this time, the clinical significance of this variant is uncertain due to the absence of conclusive functional and genetic evidence.

Labcorp Genetics (formerly Invitae), Labcorp
Classification: Uncertain significance for PRPH2-related disorder. Last evaluated: 2025-07-30. Review status: criteria provided, single submitter. Criteria: Invitae Variant Classification Sherloc (09022015). Collection method: clinical testing. Allele origin: germline.
Comment: This sequence change replaces alanine, which is neutral and non-polar, with valine, which is neutral and non-polar, at codon 334 of the PRPH2 protein (p.Ala334Val). This variant is present in population databases (no rsID available, gnomAD 0.01%). This variant has not been reported in the literature in individuals affected with PRPH2-related conditions. ClinVar contains an entry for this variant (Variation ID: 963799). An algorithm developed to predict the effect of missense changes on protein structure and function outputs the following: PolyPhen-2: "Benign". The valine amino acid residue is found in multiple mammalian species, which suggests that this missense change does not adversely affect protein function. In summary, the available evidence is currently insufficient to determine the role of this variant in disease. Therefore, it has been classified as a Variant of Uncertain Significance.